The following is an entry in ClinVar:

ClinVar aggregate classification (germline): Likely benign (1 of 4 stars; one submission).

Submission:

CeGaT Center for Human Genetics Tuebingen
Classification: Likely benign. Last evaluated: 2026-01-01. Review status: criteria provided, single submitter. Criteria: CeGaT Center For Human Genetics Tuebingen Variant Classification Criteria Version 2. Collection method: clinical testing. Allele origin: germline. Affected: yes. Observed: 1 variant allele.
Comment: SCARF2: PM2:Supporting, BP4, BP7

NM_182895.5(SCARF2):c.567C>G (p.Ala189=)

Gene: SCARF2 (scavenger receptor class F member 2; minus strand). Cytogenetic location: 22q11.21.
Variant type: single nucleotide variant.
Coding change: c.567C>G on transcript NM_182895.5 (MANE Select); coding-DNA position 567, C replaced by G.
Protein change: p.Ala189=; no amino-acid change (alanine 189 retained).
Molecular consequence: synonymous variant.
Genome position (GRCh38, 1-based): chr22:20,431,305, G>C on the plus strand (C>G on the coding strand, the complement: SCARF2 is on the minus strand). VCF-style: chr22-20431305-G-C. GRCh37 (hg19) VCF-style: chr22-20785592-G-C.
Other names: c.567C>G, p.Ala189= (NM_153334.7).
Identifiers: ClinVar variation 4821585 (VCV004821585.4).
Genomic context (GRCh38, chr22:20,431,305, plus strand): 5'-GCGGCCCCACCAGCCTGCGTGGCACAGGCAGGCGCCGGTCTGTGGGTCGCAGCGCGACGT[G>C]GCGCTGCAGTAGCACGCGCTGGCGCACTGCGCGCCCCACCAGCCGGGCTCACAGCGGCAC-3'
Protein context (NP_878315.2, residues 179-199): AQCASACYCS[Ala189=]TSRCDPQTGA